The following is an entry in ClinVar:

ClinVar aggregate classification (germline): Uncertain significance (1 of 4 stars; one submission).

Allele frequency attached by ClinVar (database versions not stated): TOPMed below 0.00001; gnomAD exomes 0.00001.

Submission:

Labcorp Genetics (formerly Invitae), Labcorp
Classification: Uncertain significance. Last evaluated: 2022-03-27. Review status: criteria provided, single submitter. Criteria: Invitae Variant Classification Sherloc (09022015). Collection method: clinical testing. Allele origin: germline.
Comment: This variant is present in population databases (no rsID available, gnomAD 0.006%). This sequence change replaces valine, which is neutral and non-polar, with methionine, which is neutral and non-polar, at codon 573 of the POC5 protein (p.Val573Met). This variant has not been reported in the literature in individuals affected with POC5-related conditions. In summary, the available evidence is currently insufficient to determine the role of this variant in disease. Therefore, it has been classified as a Variant of Uncertain Significance. Algorithms developed to predict the effect of missense changes on protein structure and function are either unavailable or do not agree on the potential impact of this missense change (SIFT: "Not Available"; PolyPhen-2: "Probably Damaging"; Align-GVGD: "Not Available").

NM_001099271.2(POC5):c.1717G>A (p.Val573Met)

Gene: POC5 (POC5 centriolar protein; minus strand). Cytogenetic location: 5q13.3.
Variant type: single nucleotide variant.
Coding change: c.1717G>A on transcript NM_001099271.2 (MANE Select); coding-DNA position 1717, G replaced by A.
Protein change: p.Val573Met; replaces valine 573 with methionine.
Molecular consequence: missense variant.
Genome position (GRCh38, 1-based): chr5:75,674,446, C>T on the plus strand (G>A on the coding strand, the complement: POC5 is on the minus strand). VCF-style: chr5-75674446-C-T. GRCh37 (hg19) VCF-style: chr5-74970271-C-T.
Other names: c.1642G>A, p.Val548Met (NM_152408.3); short protein forms V573M, V548M.
Identifiers: ClinVar variation 1916966 (VCV001916966.5), dbSNP rs943925494, ClinGen allele CA120977913.